The following is an entry in ClinVar:

ClinVar aggregate classification (germline): Pathogenic (1 of 4 stars; one submission).

Submission:

Labcorp Genetics (formerly Invitae), Labcorp
Classification: Pathogenic. Last evaluated: 2023-04-30. Review status: criteria provided, single submitter. Criteria: Invitae Variant Classification Sherloc (09022015). Collection method: clinical testing. Allele origin: germline.
Comment: For these reasons, this variant has been classified as Pathogenic. This variant has not been reported in the literature in individuals affected with TRIM37-related conditions. This variant is not present in population databases (gnomAD no frequency). This sequence change creates a premature translational stop signal (p.Cys117*) in the TRIM37 gene. It is expected to result in an absent or disrupted protein product. Loss-of-function variants in TRIM37 are known to be pathogenic (PMID: 10888877, 15108285).

Literature cited by the submitters: PubMed 10888877; PubMed 15108285.

NM_015294.6(TRIM37):c.351T>A (p.Cys117Ter)

Gene: TRIM37 (tripartite motif containing 37; minus strand). Cytogenetic location: 17q22.
Variant type: single nucleotide variant.
Coding change: c.351T>A on transcript NM_015294.6 (MANE Select); coding-DNA position 351, T replaced by A.
Protein change: p.Cys117Ter; replaces cysteine 117 with a stop codon.
Molecular consequence: nonsense. On other transcripts: 5 prime UTR variant (2), non-coding transcript variant (2), intron variant (1).
Genome position (GRCh38, 1-based): chr17:59,084,020, A>T on the plus strand (T>A on the coding strand, the complement: TRIM37 is on the minus strand). VCF-style: chr17-59084020-A-T. GRCh37 (hg19) VCF-style: chr17-57161381-A-T.
Other names: c.351T>A, p.Cys117Ter (NM_001005207.5, NM_001320988.3, NM_001320989.3 and 2 more transcripts); c.249T>A, p.Cys83Ter (NM_001320987.3, NM_001353082.2); c.-16T>A (NM_001320990.3); c.-402T>A (NM_001353083.2); c.-93-2801T>A (NM_001353085.2); short protein forms C117*, C83*.
Identifiers: ClinVar variation 2860850 (VCV002860850.3), dbSNP rs2546148822, ClinGen allele CA400393051.
Genomic context (GRCh38, chr17:59,084,020, plus strand): 5'-TAGCCTCTAACTTAAAAAAAATACTGAATTTGTTCTGCTCACCATTCCTCCCCAAAGTGC[A>T]CACTGATGGCAGATACACTTCTTACAAGTCCAGCAAAATACACTAAGTTTTTCATGGTGA-3'